The following is an entry in ClinVar:

NM_001267550.2(TTN):c.44423A>C (p.Lys14808Thr)

Gene: TTN (titin; minus strand). Cytogenetic location: 2q31.2.
Variant type: single nucleotide variant.
Coding change: c.44423A>C on transcript NM_001267550.2 (MANE Select); coding-DNA position 44423, A replaced by C.
Protein change: p.Lys14808Thr; replaces lysine 14808 with threonine.
Molecular consequence: missense variant.
Genome position (GRCh38, 1-based): chr2:178,629,302, T>G on the plus strand (A>C on the coding strand, the complement: TTN is on the minus strand). VCF-style: chr2-178629302-T-G. GRCh37 (hg19) VCF-style: chr2-179494029-T-G.
Other names: c.39500A>C, p.Lys13167Thr (NM_001256850.1); c.17228A>C, p.Lys5743Thr (NM_003319.4); c.17603A>C, p.Lys5868Thr (NM_133432.3); c.17804A>C, p.Lys5935Thr (NM_133437.4); c.36719A>C, p.Lys12240Thr (NM_133378.4); short protein forms K14808T, K12240T, K5868T, K5935T, K5743T, K13167T.
Identifiers: ClinVar variation 448797 (VCV000448797.18), dbSNP rs374419129, ClinGen allele CA1995649.

ClinVar aggregate classification (germline): Conflicting classifications of pathogenicity. Review status: criteria provided, conflicting classifications (1 of 4 stars). 9 submissions from 9 submitters: Uncertain significance (6); Likely benign (3). Last evaluated 2026-06-01.

Conditions:
TTN-related disorder. Also called: TTN-related disorders; TTN-related condition; TTN-related disease.
Cardiomyopathy (CMYO). Also called: Cardiomyopathies. Identifiers: Orphanet 167848, MedGen C0878544, MONDO:0004994, HP:0001638. Inheritance: Various modes of inheritance.
Dilated cardiomyopathy 1G (CMD1G). Identifiers: Orphanet 154, MedGen C1858763, MONDO:0011400, OMIM 604145.
Autosomal recessive limb-girdle muscular dystrophy type 2J (LGMDR10). Also called: Limb-girdle muscular dystrophy, type 2J; MUSCULAR DYSTROPHY, LIMB-GIRDLE, AUTOSOMAL RECESSIVE 10. Identifiers: Orphanet 140922, MedGen C1837342, MONDO:0012127, OMIM 608807.
Cardiovascular phenotype. Identifiers: MedGen CN230736.

Allele frequency attached by ClinVar (database versions not stated): gnomAD 0.00007; ESP Exome Variant Server 0.00008; TOPMed 0.00011; 1000 Genomes Project 30x 0.00031; 1000 Genomes Project 0.00040; gnomAD exomes 0.00004; ExAC 0.00007.
gnomAD v4.1: 79 of 1,612,336 alleles (0.0049%); highest among the groups gnomAD compares: African/African-American, 0.063%; 1 homozygote.

Submissions (9):

CeGaT Center for Human Genetics Tuebingen
Classification: Likely benign. Last evaluated: 2026-06-01. Review status: criteria provided, single submitter. Criteria: CeGaT Center For Human Genetics Tuebingen Variant Classification Criteria Version 2. Collection method: clinical testing. Allele origin: germline. Affected: yes. Observed: 1 variant allele.
Comment: TTN: BP4

PreventionGenetics, part of Exact Sciences
Classification: Uncertain significance for TTN-related condition. Last evaluated: 2026-05-22. Review status: criteria provided, single submitter. Criteria: ACMG Guidelines, 2015. Collection method: clinical testing. Allele origin: germline.
Comment: The TTN c.44423A>C variant is predicted to result in the amino acid substitution p.Lys14808Thr. To our knowledge, this variant has not been reported in the literature. This variant is reported in 0.020% of alleles in individuals of Latino descent in gnomAD. At this time, the clinical significance of this variant is uncertain due to the absence of conclusive functional and genetic evidence.

Revvity Omics, Revvity
Classification: Uncertain significance. Last evaluated: 2025-04-01. Review status: criteria provided, single submitter. Criteria: ACMG Guidelines, 2015. Collection method: clinical testing. Allele origin: germline.

Blueprint Genetics
Classification: Uncertain significance. Last evaluated: 2024-09-16. Review status: criteria provided, single submitter. Criteria: ACMG Guidelines, 2015. Collection method: clinical testing. Allele origin: germline.

CHEO Genetics Diagnostic Laboratory, Children's Hospital of Eastern Ontario
Classification: Uncertain significance for Cardiomyopathy. Last evaluated: 2021-09-23. Review status: criteria provided, single submitter. Criteria: ACMG Guidelines, 2015. Collection method: clinical testing. Allele origin: germline.

Ambry Genetics
Classification: Likely benign for Cardiovascular phenotype. Last evaluated: 2019-07-30. Review status: criteria provided, single submitter. Criteria: Ambry Variant Classification Scheme 2023. Collection method: clinical testing. Allele origin: germline.

Labcorp Genetics (formerly Invitae), Labcorp
Classification: Uncertain significance for Dilated cardiomyopathy 1G; Autosomal recessive limb-girdle muscular dystrophy type 2J. Last evaluated: 2017-06-19. Review status: criteria provided, single submitter. Criteria: Invitae Variant Classification Sherloc (09022015). Collection method: clinical testing. Allele origin: germline.

Laboratory for Molecular Medicine, Mass General Brigham Personalized Medicine
Classification: Likely benign. Last evaluated: 2017-06-01. Review status: criteria provided, single submitter. Criteria: LMM Criteria. Collection method: clinical testing. Allele origin: germline. Observed: 1 variant allele.
Comment: p.Lys12240Thr in exon 189 of TTN: This variant is not expected to have clinical significance due to a lack of conservation across species, including mammals. Of note, 5 mammals (bushbaby, naked mole rat, bat, microbat, platypus) have a thre onine (Thr) at this position. It has been identified in 7/34274 Latino chromosom es by the Genome Aggregation Database (gnomAD ; dbSNP rs374419129).

Athena Diagnostics
Classification: Uncertain significance. Last evaluated: 2016-12-31. Review status: criteria provided, single submitter. Criteria: Athena Diagnostics Criteria. Collection method: clinical testing. Allele origin: germline.